The following is an entry in ClinVar:

ClinVar aggregate classification (germline): Uncertain significance. Review status: criteria provided, multiple submitters, no conflicts (2 of 4 stars). 2 submissions from 2 submitters: Uncertain significance (2). Last evaluated 2025-09-17.

Allele frequency attached by ClinVar (database versions not stated): ExAC 0.00001; gnomAD 0.00001; gnomAD exomes 0.00001.
gnomAD v4.1: 5 of 1,612,668 alleles (0.00031%); highest among the groups gnomAD compares: Admixed American, 0.0017%; no homozygotes.

Submissions (2):

GeneDx
Classification: Uncertain significance. Last evaluated: 2025-09-17. Review status: criteria provided, single submitter. Criteria: GeneDx Variant Classification Process June 2021. Collection method: clinical testing. Allele origin: germline. Affected: yes.
Comment: In silico analysis supports that this missense variant has a deleterious effect on protein structure/function; Has not been previously published as pathogenic or benign to our knowledge

Ambry Genetics
Classification: Uncertain significance. Last evaluated: 2024-09-26. Review status: criteria provided, single submitter. Criteria: Ambry Variant Classification Scheme 2023. Collection method: clinical testing. Allele origin: germline.

NM_178335.3(CCDC50):c.1148G>A (p.Arg383Gln)

Gene: CCDC50 (coiled-coil domain containing 50; plus strand). Cytogenetic location: 3q28.
Variant type: single nucleotide variant.
Coding change: c.1148G>A on transcript NM_178335.3 (MANE Select); coding-DNA position 1148, G replaced by A.
Protein change: p.Arg383Gln; replaces arginine 383 with glutamine.
Molecular consequence: missense variant.
Genome position (GRCh38, 1-based): chr3:191,380,838, G>A. VCF-style: chr3-191380838-G-A. GRCh37 (hg19) VCF-style: chr3-191098627-G-A.
Other names: c.620G>A, p.Arg207Gln (NM_174908.4); short protein forms R207Q, R383Q.
Identifiers: ClinVar variation 1693095 (VCV001693095.5), dbSNP rs779028705, ClinGen allele CA2755471.
Genomic context (GRCh38, chr3:191,380,838, plus strand): 5'-ATTTCTATCTGCACCTCTGCAGTTAATGATATTGACTGTATTTTGTTTAGGAAATCGCTC[G>A]ACTTCTAATGGCTGAAGAAAAGAAAGCTTACAAAAAAGCCAAGGAGCGGGAGAAATCATC-3'
Protein context (NP_848018.1, residues 373-393): AQVAQDEEIA[Arg383Gln]LLMAEEKKAY